The following is an entry in ClinVar:

ClinVar aggregate classification (germline): Uncertain significance (1 of 4 stars; one submission).

Conditions:
Arrhythmogenic right ventricular dysplasia 13. Also called: Arrhythmogenic right ventricular dysplasia, familial, 13; ARRHYTHMOGENIC RIGHT VENTRICULAR CARDIOMYOPATHY 13. Identifiers: MedGen C3810138, MONDO:0000908, OMIM 615616.

Submission:

Labcorp Genetics (formerly Invitae), Labcorp
Classification: Uncertain significance for Arrhythmogenic right ventricular dysplasia 13. Last evaluated: 2025-09-27. Review status: criteria provided, single submitter. Criteria: Invitae Variant Classification Sherloc (09022015). Collection method: clinical testing. Allele origin: germline.
Comment: This sequence change affects an acceptor splice site in intron 12 of the CTNNA3 gene. It is expected to disrupt RNA splicing. Variants that disrupt the donor or acceptor splice site typically lead to a loss of protein function (PMID: 16199547), however the current clinical and genetic evidence is not sufficient to establish whether loss-of-function variants in CTNNA3 cause disease. This variant is not present in population databases (gnomAD no frequency). This variant has not been reported in the literature in individuals affected with CTNNA3-related conditions. Algorithms developed to predict the effect of sequence changes on RNA splicing suggest that this variant may disrupt the consensus splice site. In summary, the available evidence is currently insufficient to determine the role of this variant in disease. Therefore, it has been classified as a Variant of Uncertain Significance.

Literature cited by the submitters: PubMed 16199547.

NM_013266.4(CTNNA3):c.1733-2A>G

Gene: CTNNA3 (catenin alpha 3; minus strand). Cytogenetic location: 10q21.3.
Variant type: single nucleotide variant.
Coding change: c.1733-2A>G on transcript NM_013266.4 (MANE Select); the canonical splice acceptor site of the intron before coding-DNA position 1733, A replaced by G.
Molecular consequence: splice acceptor variant.
Genome position (GRCh38, 1-based): chr10:66,280,623, T>C on the plus strand (A>G on the coding strand, the complement: CTNNA3 is on the minus strand). VCF-style: chr10-66280623-T-C. GRCh37 (hg19) VCF-style: chr10-68040381-T-C.
Other names: c.1733-2A>G (NM_001127384.3).
Identifiers: ClinVar variation 4727581 (VCV004727581.1).